The following is an entry in ClinVar:

ClinVar aggregate classification (germline): Likely pathogenic (0 of 4 stars; one submission).

Conditions:
MLIP-related disorder. Also called: MLIP-related condition.

Submission:

PreventionGenetics, part of Exact Sciences
Classification: Likely pathogenic for MLIP-related condition. Last evaluated: 2024-02-01. Review status: no assertion criteria provided. Collection method: clinical testing. Allele origin: germline.
Comment: The MLIP c.2452delT variant is predicted to result in a frameshift and premature protein termination (p.Ser818Leufs*46). To our knowledge, this variant has not been reported in the literature or in a large population database, indicating this variant is rare. Frameshift variants in MLIP are expected to be pathogenic. This variant is interpreted as likely pathogenic.

NM_001281747.2(MLIP):c.2452del (p.Ser818fs)

Gene: MLIP (muscular LMNA interacting protein; plus strand). Cytogenetic location: 6p12.1.
Variant type: Deletion.
Coding change: c.2452del on transcript NM_001281747.2 (MANE Select); coding-DNA position 2452, one base deleted (T; older notation c.2452delT).
Protein change: p.Ser818fs; shifts the reading frame from serine 818.
Molecular consequence: frameshift variant.
Genome position (GRCh38, 1-based): chr6:54,160,752, T deleted; the last of 2 consecutive T bases (chr6:54,160,751-54,160,752); deleting either gives the same sequence. VCF-style (leftmost placement, unchanged base first): chr6-54160750-AT-A. GRCh37 (hg19) VCF-style: chr6-54025548-AT-A.
Other names: c.2419del, p.Ser807fs (NM_001281746.2); c.847del, p.Ser283fs (NM_138569.3); short protein forms S283fs, S807fs, S818fs.
Identifiers: ClinVar variation 3050298 (VCV003050298.2), dbSNP rs2481953475, ClinGen allele CA2578664987.
Genomic context (GRCh38, chr6:54,160,750, plus strand): 5'-CCTTTTCTTTCCTTTTCTCTTCTTCTTTCCTTCCTTTCTTTTTTTTTCAGCATTCTTCTG[AT>A]TCTCCTTCAAGGTCCCCAAAGACATTGTTGGGTTCTGACACAGTCAAAGTATGTATGTAT-3'